The following is an entry in ClinVar:

NM_000170.3(GLDC):c.1785C>G (p.Phe595Leu)

Gene: GLDC (glycine decarboxylase; minus strand). Cytogenetic location: 9p24.1.
Variant type: single nucleotide variant.
Coding change: c.1785C>G on transcript NM_000170.3 (MANE Select); coding-DNA position 1785, C replaced by G.
Protein change: p.Phe595Leu; replaces phenylalanine 595 with leucine.
Molecular consequence: missense variant.
Genome position (GRCh38, 1-based): chr9:6,587,206, G>C on the plus strand (C>G on the coding strand, the complement: GLDC is on the minus strand). VCF-style: chr9-6587206-G-C. GRCh37 (hg19) VCF-style: chr9-6587206-G-C.
Other names: short protein forms F595L.
Identifiers: ClinVar variation 966293 (VCV000966293.8), dbSNP rs201997592, ClinGen allele CA4980538.

ClinVar aggregate classification (germline): Uncertain significance. Review status: criteria provided, single submitter (1 of 4 stars). 2 submissions from 2 submitters: Uncertain significance (1). 1 of the submissions does not count toward it. Last evaluated 2022-06-04.

Conditions:
Glycine encephalopathy. Also called: Nonketotic hyperglycinemia; Non-ketotic hyperglycinemia. Identifiers: Orphanet 407, MedGen C0751748, MONDO:0011612, HP:0008288.

Allele frequency attached by ClinVar (database versions not stated): gnomAD exomes 0.00001 and 0.00002; ExAC 0.00002; gnomAD 0.00002 and 0.00003; TOPMed 0.00004; ESP Exome Variant Server 0.00023.
gnomAD v4.1: 32 of 1,613,890 alleles (0.002%); highest among the groups gnomAD compares: Non-Finnish European, 0.0026%; no homozygotes.

Submissions (2):

Labcorp Genetics (formerly Invitae), Labcorp
Classification: Uncertain significance for Glycine encephalopathy. Last evaluated: 2022-06-04. Review status: criteria provided, single submitter. Criteria: Invitae Variant Classification Sherloc (09022015). Collection method: clinical testing. Allele origin: germline.
Comment: This sequence change replaces phenylalanine, which is neutral and non-polar, with leucine, which is neutral and non-polar, at codon 595 of the GLDC protein (p.Phe595Leu). This variant is present in population databases (rs201997592, gnomAD 0.002%). This variant has not been reported in the literature in individuals affected with GLDC-related conditions. ClinVar contains an entry for this variant (Variation ID: 966293). Advanced modeling of protein sequence and biophysical properties (such as structural, functional, and spatial information, amino acid conservation, physicochemical variation, residue mobility, and thermodynamic stability) performed at Invitae indicates that this missense variant is not expected to disrupt GLDC protein function. In summary, the available evidence is currently insufficient to determine the role of this variant in disease. Therefore, it has been classified as a Variant of Uncertain Significance.

Natera, Inc.
Classification: Uncertain significance for Non-ketotic hyperglycinemia. Last evaluated: 2021-05-07. Review status: no assertion criteria provided. Collection method: clinical testing. Allele origin: germline. Not counted in ClinVar's aggregate classification.